The following is an entry in ClinVar:

ClinVar aggregate classification (germline): Uncertain significance (1 of 4 stars; one submission).

Conditions:
Hereditary cancer-predisposing syndrome. Also called: Hereditary neoplastic syndrome; Neoplastic Syndromes, Hereditary; Tumor predisposition; Hereditary Cancer Syndrome. Identifiers: Orphanet 140162, MedGen C0027672, MeSH D009386, MONDO:0015356.

Submission:

Ambry Genetics
Classification: Uncertain significance for Hereditary cancer-predisposing syndrome. Last evaluated: 2024-12-29. Review status: criteria provided, single submitter. Criteria: Ambry Variant Classification Scheme 2023. Collection method: clinical testing. Allele origin: germline.
Comment: The p.L3274F variant (also known as c.9822G>C), located in coding exon 26 of the BRCA2 gene, results from a G to C substitution at nucleotide position 9822. The leucine at codon 3274 is replaced by phenylalanine, an amino acid with highly similar properties. This amino acid position is conserved. In addition, this alteration is predicted to be tolerated by in silico analysis. Based on the available evidence, the clinical significance of this variant remains unclear.

NM_000059.4(BRCA2):c.9822G>C (p.Leu3274Phe)

Gene: BRCA2 (BRCA2 DNA repair associated; plus strand). Cytogenetic location: 13q13.1.
Variant type: single nucleotide variant.
Coding change: c.9822G>C on transcript NM_000059.4 (MANE Select); coding-DNA position 9822, G replaced by C.
Protein change: p.Leu3274Phe; replaces leucine 3274 with phenylalanine.
Molecular consequence: missense variant. On other transcripts: non-coding transcript variant (1).
Genome position (GRCh38, 1-based): chr13:32,398,335, G>C. VCF-style: chr13-32398335-G-C. GRCh37 (hg19) VCF-style: chr13-32972472-G-C.
Other names: c.9726G>C, p.Leu3242Phe (NM_001406719.1); c.9771G>C, p.Leu3257Phe (NM_001406720.1); c.4890G>C, p.Leu1630Phe (NM_001406721.1); c.3405G>C, p.Leu1135Phe (NM_001406722.1); c.9822G>C, p.Leu3274Phe (NM_001432077.1); short protein forms L3257F, L3274F, L1135F, L1630F, L3242F.
Identifiers: ClinVar variation 3825411 (VCV003825411.1).